The following is an entry in ClinVar:

ClinVar aggregate classification (germline): Uncertain significance. Review status: criteria provided, multiple submitters, no conflicts (2 of 4 stars). 2 submissions from 2 submitters: Uncertain significance (2). Last evaluated 2025-09-14.

Allele frequency attached by ClinVar (database versions not stated): 1000 Genomes Project 30x 0.00016; 1000 Genomes Project 0.00020; gnomAD 0.00034; ESP Exome Variant Server 0.00046.
gnomAD v4.1: 98 of 1,614,182 alleles (0.0061%); highest among the groups gnomAD compares: African/African-American, 0.11%; no homozygotes.

Submissions (2):

Labcorp Genetics (formerly Invitae), Labcorp
Classification: Uncertain significance. Last evaluated: 2025-09-14. Review status: criteria provided, single submitter. Criteria: Invitae Variant Classification Sherloc (09022015). Collection method: clinical testing. Allele origin: germline.
Comment: This sequence change replaces aspartic acid, which is acidic and polar, with glutamic acid, which is acidic and polar, at codon 981 of the EGF protein (p.Asp981Glu). This variant is present in population databases (rs11569086, gnomAD 0.1%), and has an allele count higher than expected for a pathogenic variant. This variant has not been reported in the literature in individuals affected with EGF-related conditions. ClinVar contains an entry for this variant (Variation ID: 2077520). An algorithm developed to predict the effect of missense changes on protein structure and function outputs the following: PolyPhen-2: "Benign". The glutamic acid amino acid residue is found in multiple mammalian species, which suggests that this missense change does not adversely affect protein function. In summary, the available evidence is currently insufficient to determine the role of this variant in disease. Therefore, it has been classified as a Variant of Uncertain Significance.

Ambry Genetics
Classification: Uncertain significance. Last evaluated: 2024-08-12. Review status: criteria provided, single submitter. Criteria: Ambry Variant Classification Scheme 2023. Collection method: clinical testing. Allele origin: germline.

NM_001963.6(EGF):c.2943T>A (p.Asp981Glu)

Gene: EGF (epidermal growth factor; plus strand). Cytogenetic location: 4q25.
Variant type: single nucleotide variant.
Coding change: c.2943T>A on transcript NM_001963.6 (MANE Select); coding-DNA position 2943, T replaced by A.
Protein change: p.Asp981Glu; replaces aspartic acid 981 with glutamic acid.
Molecular consequence: missense variant.
Genome position (GRCh38, 1-based): chr4:109,994,818, T>A. VCF-style: chr4-109994818-T-A. GRCh37 (hg19) VCF-style: chr4-110915974-T-A.
Other names: c.2820T>A, p.Asp940Glu (NM_001178130.3); c.2817T>A, p.Asp939Glu (NM_001178131.3); c.2574T>A, p.Asp858Glu (NM_001357021.2); c.2943T>A (NM_001963.4); short protein forms D940E, D939E, D981E, D858E.
Identifiers: ClinVar variation 2077520 (VCV002077520.5), dbSNP rs11569086, ClinGen allele CA3044129.
Genomic context (GRCh38, chr4:109,994,818, plus strand): 5'-GGAAGATGACCACCACTATTCCGTAAGAAATAGTGACTCTGAATGTCCCCTGTCCCACGA[T>A]GGGTACTGCCTCCATGATGGTGTGTGCATGTATATTGAAGCATTGGACAAGTATGCATGC-3'
Protein context (NP_001954.2, residues 971-991): NSDSECPLSH[Asp981Glu]GYCLHDGVCM